The following is an entry in ClinVar:

ClinVar aggregate classification (germline): Uncertain significance (1 of 4 stars; one submission).

Conditions:
Neurofibromatosis, type 1 (NF1). Also called: Neurofibromatosis, type I; VON RECKLINGHAUSEN DISEASE; NEUROFIBROMATOSIS, TYPE I, SOMATIC; Peripheral type neurofibromatosis. Identifiers: Orphanet 636, MedGen C0027831, MONDO:0018975, OMIM 162200. Disease mechanism: loss of function.

Submission:

Labcorp Genetics (formerly Invitae), Labcorp
Classification: Uncertain significance for Neurofibromatosis, type 1. Last evaluated: 2021-07-14. Review status: criteria provided, single submitter. Criteria: Invitae Variant Classification Sherloc (09022015). Collection method: clinical testing. Allele origin: germline.
Comment: This sequence change replaces cysteine with serine at codon 1032 of the NF1 protein (p.Cys1032Ser). The cysteine residue is moderately conserved and there is a moderate physicochemical difference between cysteine and serine. This variant is not present in population databases (ExAC no frequency). This variant has not been reported in the literature in individuals affected with NF1-related conditions. Advanced modeling of protein sequence and biophysical properties (such as structural, functional, and spatial information, amino acid conservation, physicochemical variation, residue mobility, and thermodynamic stability) performed at Invitae indicates that this missense variant is expected to disrupt NF1 protein function. In summary, the available evidence is currently insufficient to determine the role of this variant in disease. Therefore, it has been classified as a Variant of Uncertain Significance.

NM_001042492.3(NF1):c.3095G>C (p.Cys1032Ser)

Gene: NF1 (neurofibromin 1; plus strand). Cytogenetic location: 17q11.2.
Variant type: single nucleotide variant.
Coding change: c.3095G>C on transcript NM_001042492.3 (MANE Select); coding-DNA position 3095, G replaced by C.
Protein change: p.Cys1032Ser; replaces cysteine 1032 with serine.
Molecular consequence: missense variant.
Genome position (GRCh38, 1-based): chr17:31,230,364, G>C. VCF-style: chr17-31230364-G-C. GRCh37 (hg19) VCF-style: chr17-29557382-G-C.
Other names: c.3095G>C, p.Cys1032Ser (NM_000267.4); short protein forms C1032S.
Identifiers: ClinVar variation 1480213 (VCV001480213.8), dbSNP rs2151431724, ClinGen allele CA398987612.
Genomic context (GRCh38, chr17:31,230,364, plus strand): 5'-AAACGAAACTGTGTCAATTAGTTGAAGTAATGATGGCAAGGAGAGATGACCTCTCATTTT[G>C]CCAAGAGATGAAATTTAGGTGAGTTCTCAAAAGAGCAATGTAGGGTCTTGTAAATCTTAA-3'
Protein context (NP_001035957.1, residues 1022-1042): MMARRDDLSF[Cys1032Ser]QEMKFRNKMV